The following is an entry in ClinVar:

NM_004304.5(ALK):c.4391G>A (p.Arg1464Gln)

Gene: ALK (ALK receptor tyrosine kinase; minus strand). Cytogenetic location: 2p23.2.
Variant type: single nucleotide variant.
Coding change: c.4391G>A on transcript NM_004304.5 (MANE Select); coding-DNA position 4391, G replaced by A.
Protein change: p.Arg1464Gln; replaces arginine 1464 with glutamine.
Molecular consequence: missense variant.
Genome position (GRCh38, 1-based): chr2:29,193,696, C>T on the plus strand (G>A on the coding strand, the complement: ALK is on the minus strand). VCF-style: chr2-29193696-C-T. GRCh37 (hg19) VCF-style: chr2-29416562-C-T.
Other names: c.1187G>A, p.Arg396Gln (NM_001353765.2); short protein forms R1464Q, R396Q.
Identifiers: ClinVar variation 404333 (VCV000404333.14), dbSNP rs1060500213, ClinGen allele CA16610697.

ClinVar aggregate classification (germline): Uncertain significance. Review status: criteria provided, multiple submitters, no conflicts (2 of 4 stars). 3 submissions from 3 submitters: Uncertain significance (3). Last evaluated 2025-12-15.

Conditions:
Hereditary cancer-predisposing syndrome. Also called: Tumor predisposition; Neoplastic Syndromes, Hereditary; Hereditary Cancer Syndrome; Hereditary neoplastic syndrome. Identifiers: Orphanet 140162, MedGen C0027672, MeSH D009386, MONDO:0015356.
Neuroblastoma, susceptibility to, 3. Also called: ALK-Related Neuroblastic Tumor Susceptibility. Identifiers: Orphanet 635, MedGen C2751681, MONDO:0013083, OMIM 613014.

Allele frequency attached by ClinVar (database versions not stated): gnomAD exomes below 0.00001.
gnomAD v4.1: 6 of 1,612,306 alleles (0.00037%); highest among the groups gnomAD compares: East Asian, 0.0089%; no homozygotes.

Submissions (3):

Labcorp Genetics (formerly Invitae), Labcorp
Classification: Uncertain significance for Neuroblastoma, susceptibility to, 3. Last evaluated: 2025-12-15. Review status: criteria provided, single submitter. Criteria: Invitae Variant Classification Sherloc (09022015). Collection method: clinical testing. Allele origin: germline.
Comment: This sequence change replaces arginine, which is basic and polar, with glutamine, which is neutral and polar, at codon 1464 of the ALK protein (p.Arg1464Gln). This variant is present in population databases (no rsID available, gnomAD 0.006%). This variant has not been reported in the literature in individuals affected with ALK-related conditions. ClinVar contains an entry for this variant (Variation ID: 404333). An algorithm developed to predict the effect of missense changes on protein structure and function outputs the following: PolyPhen-2: "Benign". The glutamine amino acid residue is found in multiple mammalian species, which suggests that this missense change does not adversely affect protein function. In summary, the available evidence is currently insufficient to determine the role of this variant in disease. Therefore, it has been classified as a Variant of Uncertain Significance.

GeneDx
Classification: Uncertain significance. Last evaluated: 2024-10-16. Review status: criteria provided, single submitter. Criteria: GeneDx Variant Classification Process June 2021. Collection method: clinical testing. Allele origin: germline. Affected: yes.
Comment: Not observed at significant frequency in large population cohorts (gnomAD); In silico analysis indicates that this missense variant does not alter protein structure/function; Has not been previously published as pathogenic or benign to our knowledge

Ambry Genetics
Classification: Uncertain significance for Hereditary cancer-predisposing syndrome. Last evaluated: 2024-06-13. Review status: criteria provided, single submitter. Criteria: Ambry Variant Classification Scheme 2023. Collection method: clinical testing. Allele origin: germline.
Comment: The p.R1464Q variant (also known as c.4391G>A), located in coding exon 29 of the ALK gene, results from a G to A substitution at nucleotide position 4391. The arginine at codon 1464 is replaced by glutamine, an amino acid with highly similar properties. This amino acid position is conserved. In addition, this alteration is predicted to be tolerated by in silico analysis. Since supporting evidence is limited at this time, the clinical significance of this alteration remains unclear.